The following is an entry in ClinVar:

ClinVar aggregate classification (germline): Conflicting classifications of pathogenicity. Review status: criteria provided, conflicting classifications (1 of 4 stars). 2 submissions from 2 submitters: Uncertain significance (1); Likely benign (1). Last evaluated 2021-12-02.

Conditions:
Cardiovascular phenotype. Identifiers: MedGen CN230736.
Dilated cardiomyopathy 1JJ (CMD1JJ). Identifiers: Orphanet 154, MedGen C3808935, MONDO:0014095, OMIM 615235.

Allele frequency attached by ClinVar (database versions not stated): gnomAD exomes 0.00002 and 0.00004; ExAC 0.00003; gnomAD 0.00003 and 0.00004; ESP Exome Variant Server 0.00008.
gnomAD v4.1: 35 of 1,613,976 alleles (0.0022%); highest among the groups gnomAD compares: South Asian, 0.014%; no homozygotes.

Submissions (2):

Labcorp Genetics (formerly Invitae), Labcorp
Classification: Uncertain significance for Dilated cardiomyopathy 1JJ. Last evaluated: 2021-12-02. Review status: criteria provided, single submitter. Criteria: Invitae Variant Classification Sherloc (09022015). Collection method: clinical testing. Allele origin: germline.
Comment: This sequence change replaces glycine, which is neutral and non-polar, with serine, which is neutral and polar, at codon 1079 of the LAMA4 protein (p.Gly1079Ser). This variant is present in population databases (rs139101294, gnomAD 0.02%). This variant has not been reported in the literature in individuals affected with LAMA4-related conditions. Algorithms developed to predict the effect of missense changes on protein structure and function output the following: SIFT: "Tolerated"; PolyPhen-2: "Benign"; Align-GVGD: "Class C0". The serine amino acid residue is found in multiple mammalian species, which suggests that this missense change does not adversely affect protein function. In summary, the available evidence is currently insufficient to determine the role of this variant in disease. Therefore, it has been classified as a Variant of Uncertain Significance.

Ambry Genetics
Classification: Likely benign for Cardiovascular phenotype. Last evaluated: 2021-11-19. Review status: criteria provided, single submitter. Criteria: Ambry Variant Classification Scheme 2023. Collection method: clinical testing. Allele origin: germline.

NM_001105206.3(LAMA4):c.3256G>A (p.Gly1086Ser)

Gene: LAMA4 (laminin subunit alpha 4; minus strand). Cytogenetic location: 6q21.
Variant type: single nucleotide variant.
Coding change: c.3256G>A on transcript NM_001105206.3 (MANE Select); coding-DNA position 3256, G replaced by A.
Protein change: p.Gly1086Ser; replaces glycine 1086 with serine.
Molecular consequence: missense variant.
Genome position (GRCh38, 1-based): chr6:112,139,146, C>T on the plus strand (G>A on the coding strand, the complement: LAMA4 is on the minus strand). VCF-style: chr6-112139146-C-T. GRCh37 (hg19) VCF-style: chr6-112460348-C-T.
Other names: c.3235G>A, p.Gly1079Ser (NM_001105207.3, NM_002290.5); short protein forms G1079S, G1086S.
Identifiers: ClinVar variation 1524399 (VCV001524399.8), dbSNP rs139101294, ClinGen allele CA3965273.
Genomic context (GRCh38, chr6:112,139,146, plus strand): 5'-AAGGAGAAGTAGTAGGACTTGTATTTTTACTCACTCCATTGACCATCAGGAGAATAAGGC[C>T]GTTGTCAGCTGGTGTTCGAACTTCTATGTCAAAGCGAGTCACCTGACCAAATTTCCCTCT-3'
Protein context (NP_001098676.2, residues 1076-1096): DIEVRTPADN[Gly1086Ser]LILLMVNGSM